The following is an entry in ClinVar:

NM_016507.4(CDK12):c.3469A>G (p.Ile1157Val)

Gene: CDK12 (cyclin dependent kinase 12; plus strand). Cytogenetic location: 17q12.
Variant type: single nucleotide variant.
Coding change: c.3469A>G on transcript NM_016507.4 (MANE Select); coding-DNA position 3469, A replaced by G.
Protein change: p.Ile1157Val; replaces isoleucine 1157 with valine.
Molecular consequence: missense variant.
Genome position (GRCh38, 1-based): chr17:39,526,025, A>G. VCF-style: chr17-39526025-A-G. GRCh37 (hg19) VCF-style: chr17-37682278-A-G.
Other names: c.3469A>G, p.Ile1157Val (NM_015083.4); short protein forms I1157V.
Identifiers: ClinVar variation 4651442 (VCV004651442.1).

ClinVar aggregate classification (germline): Uncertain significance (1 of 4 stars; one submission).

gnomAD v4.1: 1 of 1,614,198 alleles (0.000062%); highest among the groups gnomAD compares: Non-Finnish European, 0.000085%; no homozygotes.

Submission:

Ambry Genetics
Classification: Uncertain significance. Last evaluated: 2025-11-11. Review status: criteria provided, single submitter. Criteria: Ambry Variant Classification Scheme 2023. Collection method: clinical testing. Allele origin: germline.
Comment: The p.I1157V variant (also known as c.3469A>G), located in coding exon 13 of the CDK12 gene, results from an A to G substitution at nucleotide position 3469. The isoleucine at codon 1157 is replaced by valine, an amino acid with highly similar properties. This amino acid position is conserved. In addition, this alteration is predicted to be tolerated by in silico analysis. Based on the available evidence, the clinical significance of this variant remains unclear.